The following is an entry in ClinVar:

NM_173689.7(CRB2):c.85C>T (p.Leu29Phe)

Gene: CRB2 (crumbs cell polarity complex component 2; plus strand). Cytogenetic location: 9q33.3.
Variant type: single nucleotide variant.
Coding change: c.85C>T on transcript NM_173689.7 (MANE Select); coding-DNA position 85, C replaced by T.
Protein change: p.Leu29Phe; replaces leucine 29 with phenylalanine.
Molecular consequence: missense variant.
Genome position (GRCh38, 1-based): chr9:123,356,345, C>T. VCF-style: chr9-123356345-C-T. GRCh37 (hg19) VCF-style: chr9-126118624-C-T.
Other names: c.85C>T (NM_173689.5); short protein forms L29F.
Identifiers: ClinVar variation 1037159 (VCV001037159.8), dbSNP rs905815810, ClinGen allele CA199619210.

ClinVar aggregate classification (germline): Uncertain significance. Review status: criteria provided, multiple submitters, no conflicts (2 of 4 stars). 2 submissions from 2 submitters: Uncertain significance (2). Last evaluated 2024-05-26.

Conditions:
Inborn genetic diseases. Identifiers: MedGen C0950123, MeSH D030342.

Allele frequency attached by ClinVar (database versions not stated): gnomAD exomes 0.00001 and 0.00005; TOPMed 0.00002; gnomAD 0.00004.

Submissions (2):

Ambry Genetics
Classification: Uncertain significance for Inborn genetic diseases. Last evaluated: 2024-05-26. Review status: criteria provided, single submitter. Criteria: Ambry Variant Classification Scheme 2023. Collection method: clinical testing. Allele origin: germline.

Labcorp Genetics (formerly Invitae), Labcorp
Classification: Uncertain significance. Last evaluated: 2021-08-04. Review status: criteria provided, single submitter. Criteria: Invitae Variant Classification Sherloc (09022015). Collection method: clinical testing. Allele origin: germline.
Comment: This sequence change replaces leucine with phenylalanine at codon 29 of the CRB2 protein (p.Leu29Phe). The leucine residue is weakly conserved and there is a small physicochemical difference between leucine and phenylalanine. This variant is not present in population databases (ExAC no frequency). This variant has not been reported in the literature in individuals with CRB2-related conditions. Experimental studies and prediction algorithms are not available or were not evaluated, and the functional significance of this variant is currently unknown. In summary, the available evidence is currently insufficient to determine the role of this variant in disease. Therefore, it has been classified as a Variant of Uncertain Significance.